The following is an entry in ClinVar:

ClinVar aggregate classification (germline): Benign/Likely benign. Review status: criteria provided, multiple submitters, no conflicts (2 of 4 stars). 3 submissions from 3 submitters: Benign (1); Likely benign (1). 1 of the submissions does not count toward it. Last evaluated 2025-11-15.

Conditions:
PET100-related disorder. Also called: PET100-related condition.

Allele frequency attached by ClinVar (database versions not stated): 1000 Genomes Project 30x 0.00141; gnomAD exomes 0.00023; ExAC 0.00042; gnomAD 0.00086; 1000 Genomes Project 0.00120; TOPMed 0.00127.
gnomAD v4.1: 315 of 1,535,796 alleles (0.021%); highest among the groups gnomAD compares: African/African-American, 0.36%; 2 homozygotes.

Submissions (3):

Labcorp Genetics (formerly Invitae), Labcorp
Classification: Benign. Last evaluated: 2025-11-15. Review status: criteria provided, single submitter. Criteria: Invitae Variant Classification Sherloc (09022015). Collection method: clinical testing. Allele origin: germline.

GeneDx
Classification: Likely benign. Last evaluated: 2019-04-26. Review status: criteria provided, single submitter. Criteria: GeneDx Variant Classification Process June 2021. Collection method: clinical testing. Allele origin: germline. Affected: yes.

PreventionGenetics, part of Exact Sciences
Classification: Likely benign for PET100-related condition. Last evaluated: 2019-08-09. Review status: no assertion criteria provided. Collection method: clinical testing. Allele origin: germline. Not counted in ClinVar's aggregate classification.
Comment: This variant is classified as likely benign based on ACMG/AMP sequence variant interpretation guidelines (Richards et al. 2015 PMID: 25741868, with internal and published modifications).

NM_001171155.2(PET100):c.201C>T (p.Arg67=)

Genes: PET100 (PET100 cytochrome c oxidase chaperone; plus strand), STXBP2 (syntaxin binding protein 2; plus strand). Cytogenetic location: 19p13.2.
Variant type: single nucleotide variant.
Coding change: c.201C>T on transcript NM_001171155.2 (MANE Select); coding-DNA position 201, C replaced by T.
Protein change: p.Arg67=; no amino-acid change (arginine 67 retained).
Molecular consequence: synonymous variant. On other transcripts: non-coding transcript variant (1).
Genome position (GRCh38, 1-based): chr19:7,631,535, C>T. VCF-style: chr19-7631535-C-T. GRCh37 (hg19) VCF-style: chr19-7696421-C-T.
Identifiers: ClinVar variation 512138 (VCV000512138.13), dbSNP rs375968935, ClinGen allele CA9142875.